The following is an entry in ClinVar:

NM_015346.4(ZFYVE26):c.4437A>G (p.Leu1479=)

Gene: ZFYVE26 (zinc finger FYVE-type containing 26; minus strand). Cytogenetic location: 14q24.1.
Variant type: single nucleotide variant.
Coding change: c.4437A>G on transcript NM_015346.4 (MANE Select); coding-DNA position 4437, A replaced by G.
Protein change: p.Leu1479=; no amino-acid change (leucine 1479 retained).
Molecular consequence: synonymous variant.
Genome position (GRCh38, 1-based): chr14:67,781,465, T>C on the plus strand (A>G on the coding strand, the complement: ZFYVE26 is on the minus strand). VCF-style: chr14-67781465-T-C. GRCh37 (hg19) VCF-style: chr14-68248182-T-C.
Identifiers: ClinVar variation 2017443 (VCV002017443.6), dbSNP rs1396903974, ClinGen allele CA486774545.

ClinVar aggregate classification (germline): Likely benign. Review status: criteria provided, multiple submitters, no conflicts (2 of 4 stars). 2 submissions from 2 submitters: Likely benign (2). Last evaluated 2026-05-01.

Conditions:
Spastic paraplegia. Identifiers: MedGen C0037772, HP:0001258.

Allele frequency attached by ClinVar (database versions not stated): gnomAD 0.00001.
gnomAD v4.1: 3 of 1,614,066 alleles (0.00019%); highest among the groups gnomAD compares: African/African-American, 0.0013%; no homozygotes.

Submissions (2):

CeGaT Center for Human Genetics Tuebingen
Classification: Likely benign. Last evaluated: 2026-05-01. Review status: criteria provided, single submitter. Criteria: CeGaT Center For Human Genetics Tuebingen Variant Classification Criteria Version 2. Collection method: clinical testing. Allele origin: germline. Affected: yes. Observed: 1 variant allele.
Comment: ZFYVE26: BP4, BP7

Labcorp Genetics (formerly Invitae), Labcorp
Classification: Likely benign for Spastic paraplegia. Last evaluated: 2024-04-24. Review status: criteria provided, single submitter. Criteria: Invitae Variant Classification Sherloc (09022015). Collection method: clinical testing. Allele origin: germline.